The following is an entry in ClinVar:

NM_000492.4(CFTR):c.4162C>G (p.Leu1388Val)

Gene: CFTR (CF transmembrane conductance regulator; plus strand). Cytogenetic location: 7q31.2.
Variant type: single nucleotide variant.
Coding change: c.4162C>G on transcript NM_000492.4 (MANE Select); coding-DNA position 4162, C replaced by G.
Protein change: p.Leu1388Val; replaces leucine 1388 with valine.
Molecular consequence: missense variant.
Genome position (GRCh38, 1-based): chr7:117,665,484, C>G. VCF-style: chr7-117665484-C-G. GRCh37 (hg19) VCF-style: chr7-117305538-C-G.
Other names: short protein forms L1388V.
Identifiers: ClinVar variation 439083 (VCV000439083.5), dbSNP rs1554397584, ClinGen allele CA368983435.

ClinVar aggregate classification (germline): Uncertain significance. Review status: criteria provided, multiple submitters, no conflicts (2 of 4 stars). 3 submissions from 3 submitters: Uncertain significance (3). Last evaluated 2025-06-19.

Conditions:
Cystic fibrosis (CF). Also called: MUCOVISCIDOSIS. Identifiers: Orphanet 586, MedGen C0010674, MONDO:0009061, OMIM 219700. Disease mechanism: loss of function.

Allele frequency attached by ClinVar (database versions not stated): gnomAD exomes below 0.00001.
gnomAD v4.1: 2 of 1,611,254 alleles (0.00012%); highest among the groups gnomAD compares: Non-Finnish European, 0.00017%; no homozygotes.

Submissions (3):

ARUP Laboratories, Molecular Genetics and Genomics, ARUP Laboratories
Classification: Uncertain significance. Last evaluated: 2025-06-19. Review status: criteria provided, single submitter. Criteria: ARUP Molecular Germline Variant Investigation Process 2024. Collection method: clinical testing. Allele origin: germline.
Comment: The CFTR c.4162C>G; p.Leu1388Val variant (rs1554397584, ClinVar Variation ID: 439083), to our knowledge, is not reported in affected individuals but is reported in a sample from a presumably healthy control (Montgomery 2007). This variant is absent from the Genome Aggregation Database (v2.1.1), indicating it is not a common polymorphism. Additionally, another amino acid substitution at this codon, c.4163T>A; p.Leu1388Gln, has been reported in an individual with congenital absence of the vas deferens (Dork 1997). Computational analyses are uncertain whether the Leu1388Val variant is neutral or deleterious (REVEL: 0.454). Due to limited information, the clinical significance of the CFTR p.Leu1388Val variant is uncertain at this time. References: Dork T et al. Distinct spectrum of CFTR gene mutations in congenital absence of vas deferens. Hum Genet. 1997 Sep;100(3-4):365-77. PMID: 9272157. Montgomery J et al. Scanning the cystic fibrosis transmembrane conductance regulator gene using high-resolution DNA melting analysis. Clin Chem. 2007 Nov;53(11):1891-8. PMID: 17890437.

Ambry Genetics
Classification: Uncertain significance for Cystic fibrosis. Last evaluated: 2023-09-25. Review status: criteria provided, single submitter. Criteria: Ambry Variant Classification Scheme 2023. Collection method: clinical testing. Allele origin: germline.
Comment: The p.L1388V variant (also known as c.4162C>G), located in coding exon 26 of the CFTR gene, results from a C to G substitution at nucleotide position 4162. The leucine at codon 1388 is replaced by valine, an amino acid with highly similar properties. This amino acid position is well conserved in available vertebrate species. In addition, the in silico prediction for this alteration is inconclusive. Since supporting evidence is limited at this time, the clinical significance of this alteration remains unclear.

Quest Diagnostics Nichols Institute San Juan Capistrano
Classification: Uncertain significance. Last evaluated: 2017-01-05. Review status: criteria provided, single submitter. Criteria: Quest Diagnostics criteria. Collection method: clinical testing. Allele origin: germline.

Literature cited by the submitters: PubMed 17890437 (cited by Quest Diagnostics Nichols Institute San Juan Capistrano).